The following is an entry in ClinVar:

ClinVar aggregate classification (germline): Uncertain significance. Review status: reviewed by expert panel (3 of 4 stars). 4 submissions from 4 submitters: Uncertain significance (1). 3 of the submissions do not count toward it. Last evaluated 2024-07-25.

Conditions:
Inborn genetic diseases. Identifiers: MedGen C0950123, MeSH D030342.
Hereditary thrombocytopenia and hematologic cancer predisposition syndrome. Identifiers: Orphanet 71290, MedGen CN281654, MONDO:0011071.
Acute myeloid leukemia (AML). Also called: Acute myeloid leukemia, adult; AML adult; Acute non-lymphocytic leukemia; Acute granulocytic leukemia; Leukemia, acute myeloid, somatic; Leukemia, acute myelogenous, somatic. Identifiers: Orphanet 519, MedGen C0023467, MeSH D015470, MONDO:0018874, OMIM 601626, HP:0004808. Disease mechanism: Constitutively activated FLT3.
Hereditary thrombocytopenia and hematological cancer predisposition syndrome associated with RUNX1. Also called: Familial Platelet Disorder with Propensity to Acute Myelogenous Leukemia; Familial thrombocytopenia with propensity to acute myelogenous leukemia; RUNX1 Familial Platelet Disorder with Associated Myeloid Malignancies; PLATELET DISORDER, ASPIRIN-LIKE. Identifiers: Orphanet 71290, MedGen C1832388, MeSH C563324, MONDO:0100083, OMIM 601399.

Allele frequency attached by ClinVar (database versions not stated): ExAC below 0.00001; gnomAD exomes below 0.00001; gnomAD 0.00001; TOPMed 0.00001.
gnomAD v4.1: 3 of 1,589,438 alleles (0.00019%); highest among the groups gnomAD compares: East Asian, 0.0023%; no homozygotes.

Submissions (4):

ClinGen Myeloid Malignancy Variant Curation Expert Panel
Classification: Uncertain significance for Hereditary thrombocytopenia and hematologic cancer predisposition syndrome. Last evaluated: 2024-07-25. Review status: reviewed by expert panel. Criteria: ClinGen MyeloMalig ACMG Specifications v2. Collection method: curation. Allele origin: germline. Inheritance: Autosomal dominant inheritance.
Comment: NM_001754.4(RUNX1):c.973C>T (p.Pro325Ser) is a missense variant which is absent from gnomAD v2, but has a highest population minor allele frequency of 0.006543% (1/15284 alleles) in the African American/African population from gnomAD v3. The computational predictor REVEL gives a score of 0.05, which is below the threshold of 0.50, and the splice site predictor SpliceAI indicated that the variant has no impact on splicing, evidence that does not predict a damaging effect on RUNX1 function (BP4). In summary, this variant meets the criteria to be classified as a variant of uncertain significance (VUS) for autosomal dominant hereditary thrombocytopenia and hematologic cancer predisposition syndrome based on the ACMG/AMP criteria applied, as specified by the ClinGen Myeloid Malignancy VCEP: PS4_supporting and BP4.

Labcorp Genetics (formerly Invitae), Labcorp
Classification: Uncertain significance for Hereditary thrombocytopenia and hematological cancer predisposition syndrome associated with RUNX1. Last evaluated: 2025-10-13. Review status: criteria provided, single submitter. Criteria: Invitae Variant Classification Sherloc (09022015). Collection method: clinical testing. Allele origin: germline. Not counted in ClinVar's aggregate classification.
Comment: This sequence change replaces proline, which is neutral and non-polar, with serine, which is neutral and polar, at codon 325 of the RUNX1 protein (p.Pro325Ser). This variant is not present in population databases (gnomAD no frequency). This variant has not been reported in the literature in individuals affected with RUNX1-related conditions. ClinVar contains an entry for this variant (Variation ID: 651472). An algorithm developed to predict the effect of missense changes on protein structure and function outputs the following: PolyPhen-2: "Benign". The serine amino acid residue is found in multiple mammalian species, which suggests that this missense change does not adversely affect protein function. In summary, the available evidence is currently insufficient to determine the role of this variant in disease. Therefore, it has been classified as a Variant of Uncertain Significance.

Ambry Genetics
Classification: Uncertain significance for Inborn genetic diseases. Last evaluated: 2024-12-20. Review status: criteria provided, single submitter. Criteria: Ambry Variant Classification Scheme 2023. Collection method: clinical testing. Allele origin: germline. Not counted in ClinVar's aggregate classification.
Comment: The p.P325S variant (also known as c.973C>T), located in coding exon 8 of the RUNX1 gene, results from a C to T substitution at nucleotide position 973. The proline at codon 325 is replaced by serine, an amino acid with similar properties. This amino acid position is conserved. In addition, this alteration is predicted to be tolerated by in silico analysis. Based on the available evidence, the clinical significance of this variant remains unclear.

Baylor Genetics
Classification: Uncertain significance for Acute myeloid leukemia. Last evaluated: 2023-08-05. Review status: criteria provided, single submitter. Criteria: ACMG Guidelines, 2015. Collection method: clinical testing. Allele origin: unknown. Not counted in ClinVar's aggregate classification.

NM_001754.5(RUNX1):c.973C>T (p.Pro325Ser)

Gene: RUNX1 (RUNX family transcription factor 1; minus strand). Cytogenetic location: 21q22.12.
Variant type: single nucleotide variant.
Coding change: c.973C>T on transcript NM_001754.5 (MANE Select); coding-DNA position 973, C replaced by T.
Protein change: p.Pro325Ser; replaces proline 325 with serine.
Molecular consequence: missense variant.
Genome position (GRCh38, 1-based): chr21:34,792,605, G>A on the plus strand (C>T on the coding strand, the complement: RUNX1 is on the minus strand). VCF-style: chr21-34792605-G-A. GRCh37 (hg19) VCF-style: chr21-36164902-G-A.
Other names: NM_001754.4(RUNX1):c.973C>T; p.Pro325Ser; c.892C>T, p.Pro298Ser (NM_001001890.3); short protein forms P298S, P325S.
Identifiers: ClinVar variation 651472 (VCV000651472.12), dbSNP rs746531841, ClinGen allele CA10014230.